The following is an entry in ClinVar:

ClinVar aggregate classification (germline): Uncertain significance. Review status: criteria provided, multiple submitters, no conflicts (2 of 4 stars). 3 submissions from 3 submitters: Uncertain significance (3). Last evaluated 2025-04-27.

Conditions:
Cardiovascular phenotype. Identifiers: MedGen CN230736.
Myofibrillar myopathy 5. Also called: FILAMINOPATHY, AUTOSOMAL DOMINANT; Filaminopathy (type). Identifiers: Orphanet 171445, MedGen C1836050, MONDO:0012289, OMIM 609524.
Distal myopathy with posterior leg and anterior hand involvement. Also called: WILLIAMS DISTAL MYOPATHY. Identifiers: Orphanet 63273, MedGen C3279722, MONDO:0013550, OMIM 614065.
Hypertrophic cardiomyopathy 26. Also called: Cardiomyopathy, familial hypertrophic, 26. Identifiers: Orphanet 75249, MedGen C4310749, MONDO:0014883, OMIM 617047.

Submissions (3):

Labcorp Genetics (formerly Invitae), Labcorp
Classification: Uncertain significance for Distal myopathy with posterior leg and anterior hand involvement; Myofibrillar myopathy 5; Hypertrophic cardiomyopathy 26. Last evaluated: 2025-04-27. Review status: criteria provided, single submitter. Criteria: Invitae Variant Classification Sherloc (09022015). Collection method: clinical testing. Allele origin: germline.
Comment: This sequence change replaces asparagine, which is neutral and polar, with lysine, which is basic and polar, at codon 91 of the FLNC protein (p.Asn91Lys). This variant is not present in population databases (gnomAD no frequency). This variant has not been reported in the literature in individuals affected with FLNC-related conditions. ClinVar contains an entry for this variant (Variation ID: 952262). Invitae Evidence Modeling of protein sequence and biophysical properties (such as structural, functional, and spatial information, amino acid conservation, physicochemical variation, residue mobility, and thermodynamic stability) has been performed for this missense variant. However, the output from this modeling did not meet the statistical confidence thresholds required to predict the impact of this variant on FLNC protein function. In summary, the available evidence is currently insufficient to determine the role of this variant in disease. Therefore, it has been classified as a Variant of Uncertain Significance.

GeneDx
Classification: Uncertain significance. Last evaluated: 2024-03-27. Review status: criteria provided, single submitter. Criteria: GeneDx Variant Classification Process June 2021. Collection method: clinical testing. Allele origin: germline. Affected: yes.
Comment: Has not been previously published as pathogenic or benign to our knowledge; Not observed at significant frequency in large population cohorts (gnomAD); In silico analysis supports that this missense variant does not alter protein structure/function

Ambry Genetics
Classification: Uncertain significance for Cardiovascular phenotype. Last evaluated: 2022-12-23. Review status: criteria provided, single submitter. Criteria: Ambry Variant Classification Scheme 2023. Collection method: clinical testing. Allele origin: germline.
Comment: The p.N91K variant (also known as c.273C>A), located in coding exon 1 of the FLNC gene, results from a C to A substitution at nucleotide position 273. The asparagine at codon 91 is replaced by lysine, an amino acid with similar properties. This amino acid position is conserved. In addition, the in silico prediction for this alteration is inconclusive. Since supporting evidence is limited at this time, the clinical significance of this alteration remains unclear.

NM_001458.5(FLNC):c.273C>A (p.Asn91Lys)

Gene: FLNC (filamin C; plus strand). Cytogenetic location: 7q32.1.
Variant type: single nucleotide variant.
Coding change: c.273C>A on transcript NM_001458.5 (MANE Select); coding-DNA position 273, C replaced by A.
Protein change: p.Asn91Lys; replaces asparagine 91 with lysine.
Molecular consequence: missense variant.
Genome position (GRCh38, 1-based): chr7:128,830,910, C>A. VCF-style: chr7-128830910-C-A. GRCh37 (hg19) VCF-style: chr7-128470964-C-A.
Other names: c.273C>A, p.Asn91Lys (NM_001127487.2); short protein forms N91K.
Identifiers: ClinVar variation 952262 (VCV000952262.12), dbSNP rs1807861563, ClinGen allele CA369216748.
Genomic context (GRCh38, chr7:128,830,910, plus strand): 5'-CGCGCTGCTCGAGGTGCTCAGCCAGAAGCGCATGTACCGCAAGTTCCATCCGCGCCCCAA[C>A]TTCCGCCAAATGAAGCTGGAGAACGTGTCCGTGGCCCTCGAGTTCCTCGAGCGCGAGCAC-3'
Protein context (NP_001449.3, residues 81-101): RMYRKFHPRP[Asn91Lys]FRQMKLENVS